The following is an entry in ClinVar:

ClinVar aggregate classification (germline): Likely benign (1 of 4 stars; one submission).

Conditions:
NRP2-related disorder. Also called: NRP2-related condition.

gnomAD v4.1: 198 of 1,614,100 alleles (0.012%); highest among the groups gnomAD compares: East Asian, 0.44%; no homozygotes.

Submission:

PreventionGenetics, part of Exact Sciences
Classification: Likely benign for NRP2-related condition. Last evaluated: 2026-01-29. Review status: criteria provided, single submitter. Criteria: ACMG Guidelines, 2015. Collection method: clinical testing. Allele origin: germline.
Comment: This variant is classified as likely benign based on ACMG/AMP sequence variant interpretation guidelines (Richards et al. 2015 PMID: 25741868, with internal and published modifications).

NM_003872.3(NRP2):c.525C>T (p.Cys175=)

Gene: NRP2 (neuropilin 2; plus strand). Cytogenetic location: 2q33.3.
Variant type: single nucleotide variant.
Coding change: c.525C>T on transcript NM_003872.3 (MANE Select); coding-DNA position 525, C replaced by T.
Protein change: p.Cys175=; no amino-acid change (cysteine 175 retained).
Molecular consequence: synonymous variant.
Genome position (GRCh38, 1-based): chr2:205,722,569, C>T. VCF-style: chr2-205722569-C-T. GRCh37 (hg19) VCF-style: chr2-206587293-C-T.
Other names: c.525C>T, p.Cys175= (NM_018534.4, NM_201264.2, NM_201266.2 and 2 more transcripts).
Identifiers: ClinVar variation 4980996 (VCV004980996.1).
Genomic context (GRCh38, chr2:205,722,569, plus strand): 5'-CCCCAACGGGACCATCGAATCTCCTGGGTTTCCTGAGAAGTATCCACACAACTTGGACTG[C>T]ACCTTTACCATCCTGGCCAAACCCAAGATGGAGATCATCCTGCAGTTCCTGATCTTTGAC-3'
Protein context (NP_003863.2, residues 165-185): FPEKYPHNLD[Cys175=]TFTILAKPKM